The following is an entry in ClinVar:

ClinVar aggregate classification (germline): Uncertain significance (1 of 4 stars; one submission).

Conditions:
Neuronal ceroid lipofuscinosis. Also called: Neuronal Ceroid Lipofuscinoses. Identifiers: Orphanet 216, Orphanet 79263, MedGen C0027877, MONDO:0016295. Disease mechanism: loss of function.

Submission:

Labcorp Genetics (formerly Invitae), Labcorp
Classification: Uncertain significance for Neuronal ceroid lipofuscinosis. Last evaluated: 2021-11-25. Review status: criteria provided, single submitter. Criteria: Invitae Variant Classification Sherloc (09022015). Collection method: clinical testing. Allele origin: germline.
Comment: This sequence change replaces proline, which is neutral and non-polar, with leucine, which is neutral and non-polar, at codon 117 of the CLN5 protein (p.Pro117Leu). This variant is not present in population databases (gnomAD no frequency). This variant has not been reported in the literature in individuals affected with CLN5-related conditions. Algorithms developed to predict the effect of missense changes on protein structure and function are either unavailable or do not agree on the potential impact of this missense change (SIFT: "Deleterious"; PolyPhen-2: "Probably Damaging"; Align-GVGD: "Class C15"). In summary, the available evidence is currently insufficient to determine the role of this variant in disease. Therefore, it has been classified as a Variant of Uncertain Significance.

NM_006493.4(CLN5):c.203C>T (p.Pro68Leu)

Gene: CLN5 (CLN5 lysosomal BMP synthase; plus strand). Cytogenetic location: 13q22.3.
Variant type: single nucleotide variant.
Coding change: c.203C>T on transcript NM_006493.4 (MANE Select); coding-DNA position 203, C replaced by T.
Protein change: p.Pro68Leu; replaces proline 68 with leucine.
Molecular consequence: missense variant.
Genome position (GRCh38, 1-based): chr13:76,995,092, C>T. VCF-style: chr13-76995092-C-T. GRCh37 (hg19) VCF-style: chr13-77569227-C-T.
Other names: c.203C>T, p.Pro68Leu (NM_001366624.2); short protein forms P68L.
Identifiers: ClinVar variation 1521860 (VCV001521860.6), dbSNP rs2154034626, ClinGen allele CA388307732.